The following is an entry in ClinVar:

NM_025179.4(PLXNA2):c.4041C>A (p.His1347Gln)

Gene: PLXNA2 (plexin A2; minus strand). Cytogenetic location: 1q32.2.
Variant type: single nucleotide variant.
Coding change: c.4041C>A on transcript NM_025179.4 (MANE Select); coding-DNA position 4041, C replaced by A.
Protein change: p.His1347Gln; replaces histidine 1347 with glutamine.
Molecular consequence: missense variant.
Genome position (GRCh38, 1-based): chr1:208,042,343, G>T on the plus strand (C>A on the coding strand, the complement: PLXNA2 is on the minus strand). VCF-style: chr1-208042343-G-T. GRCh37 (hg19) VCF-style: chr1-208215688-G-T.
Other names: short protein forms H1347Q.
Identifiers: ClinVar variation 2400808 (VCV002400808.4), dbSNP rs757014612, ClinGen allele CA36698555.

ClinVar aggregate classification (germline): Uncertain significance. Review status: criteria provided, multiple submitters, no conflicts (2 of 4 stars). 2 submissions from 2 submitters: Uncertain significance (2). Last evaluated 2026-08-24.

Conditions:
PLXNA2-related disorder. Also called: PLXNA2-related condition.

Submissions (2):

PreventionGenetics, part of Exact Sciences
Classification: Uncertain significance for PLXNA2-related condition. Last evaluated: 2026-08-24. Review status: criteria provided, single submitter. Criteria: ACMG Guidelines, 2015. Collection method: clinical testing. Allele origin: germline.
Comment: The PLXNA2 c.4041C>A variant is predicted to result in the amino acid substitution p.His1347Gln. To our knowledge, this variant has not been reported in the literature. Of note, in multiple vertebrate species a glutamine (Gln) is present at the p.His1347 residue. This variant is reported in 0.00088% of alleles in individuals of European (Non-Finnish) descent in gnomAD. At this time, the clinical significance of this variant is uncertain due to the absence of conclusive functional and genetic evidence.

Ambry Genetics
Classification: Uncertain significance. Last evaluated: 2025-10-18. Review status: criteria provided, single submitter. Criteria: Ambry Variant Classification Scheme 2023. Collection method: clinical testing. Allele origin: germline.